The following is an entry in ClinVar:

NM_006950.3(SYN1):c.539C>T (p.Pro180Leu)

Gene: SYN1 (synapsin I; minus strand). Cytogenetic location: Xp11.23.
Variant type: single nucleotide variant.
Coding change: c.539C>T on transcript NM_006950.3 (MANE Select); coding-DNA position 539, C replaced by T.
Protein change: p.Pro180Leu; replaces proline 180 with leucine.
Molecular consequence: missense variant.
Genome position (GRCh38, 1-based): chrX:47,605,368, G>A on the plus strand (C>T on the coding strand, the complement: SYN1 is on the minus strand). VCF-style: chrX-47605368-G-A. GRCh37 (hg19) VCF-style: chrX-47464767-G-A.
Other names: c.539C>T, p.Pro180Leu (NM_133499.2); short protein forms P180L.
Identifiers: ClinVar variation 1023634 (VCV001023634.9), dbSNP rs773013704, ClinGen allele CA10398708.
Genomic context (GRCh38, chrX:47,605,368, plus strand): 5'-CTGCGGTAGTCTCCGTTGCGTGCCATGCTGAAGGCGTGCTGGCGGATCAGCACAAAATCC[G>A]GCTTCAGAGACCTAGTGTGGCAGGGGTAGGAGTGTTGAGAGTTCCCCCAGAAGCTCCCAA-3'
Protein context (NP_008881.2, residues 170-190): NGVKVVRSLK[Pro180Leu]DFVLIRQHAF

ClinVar aggregate classification (germline): Uncertain significance (1 of 4 stars; one submission).

Conditions:
Epilepsy, X-linked 1, with variable learning disabilities and behavior disorders. Also called: X-linked epilepsy-learning disabilities-behavior disorders syndrome. Identifiers: Orphanet 85294, MedGen C5774177, MONDO:0010339, OMIM 300491.

Allele frequency attached by ClinVar (database versions not stated): gnomAD exomes below 0.00001; ExAC 0.00001; TOPMed 0.00002; 1000 Genomes Project 30x 0.00021.

Submission:

Labcorp Genetics (formerly Invitae), Labcorp
Classification: Uncertain significance for Epilepsy, X-linked 1, with variable learning disabilities and behavior disorders. Last evaluated: 2022-07-05. Review status: criteria provided, single submitter. Criteria: Invitae Variant Classification Sherloc (09022015). Collection method: clinical testing. Allele origin: germline.
Comment: In summary, the available evidence is currently insufficient to determine the role of this variant in disease. Therefore, it has been classified as a Variant of Uncertain Significance. This sequence change replaces proline, which is neutral and non-polar, with leucine, which is neutral and non-polar, at codon 180 of the SYN1 protein (p.Pro180Leu). The frequency data for this variant in the population databases is considered unreliable, as metrics indicate poor data quality at this position in the gnomAD database. This variant has not been reported in the literature in individuals affected with SYN1-related conditions. ClinVar contains an entry for this variant (Variation ID: 1023634). Algorithms developed to predict the effect of missense changes on protein structure and function (SIFT, PolyPhen-2, Align-GVGD) all suggest that this variant is likely to be disruptive.